The following is an entry in ClinVar:

NM_015215.4(CAMTA1):c.2780-8G>A

Gene: CAMTA1 (calmodulin binding transcription activator 1; plus strand). Cytogenetic location: 1p36.23.
Variant type: single nucleotide variant.
Coding change: c.2780-8G>A on transcript NM_015215.4 (MANE Select); 8 bases into the intron before coding-DNA position 2780, G replaced by A.
Molecular consequence: intron variant.
Genome position (GRCh38, 1-based): chr1:7,677,591, G>A. VCF-style: chr1-7677591-G-A. GRCh37 (hg19) VCF-style: chr1-7737651-G-A.
Other names: p.?; c.2780-8G>A (NM_001349609.2, NM_001349610.2, NM_015215.3); c.2690-8G>A (NM_001349608.2, NM_001349612.2); c.-149-8G>A (NM_001349614.1, NM_001349620.1, NM_001349621.1 and 3 more transcripts).
Identifiers: ClinVar variation 2112268 (VCV002112268.7), dbSNP rs41278946, ClinGen allele CA566745.

ClinVar aggregate classification (germline): Benign. Review status: criteria provided, multiple submitters, no conflicts (2 of 4 stars). 3 submissions from 3 submitters: Benign (2). 1 of the submissions does not count toward it. Last evaluated 2026-02-01.

Conditions:
CAMTA1-related disorder. Also called: CAMTA1-related condition.

Allele frequency attached by ClinVar (database versions not stated): TOPMed 0.03826; gnomAD 0.04056; ExAC 0.04340; 1000 Genomes Project 30x 0.02311; 1000 Genomes Project 0.02316; ESP Exome Variant Server 0.04606.
gnomAD v4.1: 82,746 of 1,612,016 alleles (5.1%); highest among the groups gnomAD compares: Non-Finnish European, 6%; 2,467 homozygotes.

Submissions (3):

Labcorp Genetics (formerly Invitae), Labcorp
Classification: Benign. Last evaluated: 2026-02-01. Review status: criteria provided, single submitter. Criteria: Invitae Variant Classification Sherloc (09022015). Collection method: clinical testing. Allele origin: germline.

Mayo Clinic Laboratories, Mayo Clinic
Classification: Benign. Last evaluated: 2022-03-23. Review status: criteria provided, single submitter. Criteria: ACMG Guidelines, 2015. Collection method: clinical testing. Allele origin: germline. Observed: 46 variant alleles.

PreventionGenetics, part of Exact Sciences
Classification: Benign for CAMTA1-related condition. Last evaluated: 2019-05-08. Review status: no assertion criteria provided. Collection method: clinical testing. Allele origin: germline. Not counted in ClinVar's aggregate classification.
Comment: This variant is classified as benign based on ACMG/AMP sequence variant interpretation guidelines (Richards et al. 2015 PMID: 25741868, with internal and published modifications).